The following is an entry in ClinVar:

NM_000057.4(BLM):c.3965C>A (p.Ser1322Tyr)

Gene: BLM (BLM RecQ like helicase; plus strand). Cytogenetic location: 15q26.1.
Variant type: single nucleotide variant.
Coding change: c.3965C>A on transcript NM_000057.4 (MANE Select); coding-DNA position 3965, C replaced by A.
Protein change: p.Ser1322Tyr; replaces serine 1322 with tyrosine.
Molecular consequence: missense variant.
Genome position (GRCh38, 1-based): chr15:90,811,295, C>A. VCF-style: chr15-90811295-C-A. GRCh37 (hg19) VCF-style: chr15-91354525-C-A.
Other names: c.3965C>A, p.Ser1322Tyr (NM_001287246.2); c.3572C>A, p.Ser1191Tyr (NM_001287247.2); c.2840C>A, p.Ser947Tyr (NM_001287248.2); short protein forms S947Y, S1191Y, S1322Y.
Identifiers: ClinVar variation 1736550 (VCV001736550.2), dbSNP rs1362006078, ClinGen allele CA393850921.

ClinVar aggregate classification (germline): Uncertain significance (1 of 4 stars; one submission).

Conditions:
Hereditary cancer-predisposing syndrome. Also called: Neoplastic Syndromes, Hereditary; Tumor predisposition; Hereditary Cancer Syndrome; Hereditary neoplastic syndrome. Identifiers: Orphanet 140162, MedGen C0027672, MeSH D009386, MONDO:0015356.

Submission:

Ambry Genetics
Classification: Uncertain significance for Hereditary cancer-predisposing syndrome. Last evaluated: 2021-11-03. Review status: criteria provided, single submitter. Criteria: Ambry Variant Classification Scheme 2023. Collection method: clinical testing. Allele origin: germline.
Comment: The p.S1322Y variant (also known as c.3965C>A), located in coding exon 20 of the BLM gene, results from a C to A substitution at nucleotide position 3965. The serine at codon 1322 is replaced by tyrosine, an amino acid with dissimilar properties. This amino acid position is conserved. In addition, the in silico prediction for this alteration is inconclusive. Since supporting evidence is limited at this time, the clinical significance of this alteration remains unclear.